The following is an entry in ClinVar:

ClinVar aggregate classification (germline): Uncertain significance (1 of 4 stars; one submission).

Submission:

Labcorp Genetics (formerly Invitae), Labcorp
Classification: Uncertain significance. Last evaluated: 2024-08-08. Review status: criteria provided, single submitter. Criteria: Invitae Variant Classification Sherloc (09022015). Collection method: clinical testing. Allele origin: germline.
Comment: This sequence change creates a premature translational stop signal (p.Ile31Asnfs*28) in the LRRC8A gene. It is expected to result in an absent or disrupted protein product. However, the current clinical and genetic evidence is not sufficient to establish whether loss-of-function variants in LRRC8A cause disease. This variant is not present in population databases (gnomAD no frequency). This variant has not been reported in the literature in individuals affected with LRRC8A-related conditions. In summary, the available evidence is currently insufficient to determine the role of this variant in disease. Therefore, it has been classified as a Variant of Uncertain Significance.

NM_019594.4(LRRC8A):c.91dup (p.Ile31fs)

Gene: LRRC8A (leucine rich repeat containing 8 VRAC subunit A; plus strand). Cytogenetic location: 9q34.11.
Variant type: Duplication.
Coding change: c.91dup on transcript NM_019594.4 (MANE Select); coding-DNA position 91, one base duplicated (A; older notation c.91dupA).
Protein change: p.Ile31fs; shifts the reading frame from isoleucine 31.
Molecular consequence: frameshift variant.
Genome position (GRCh38, 1-based): chr9:128,907,255, A duplicated. VCF-style (leftmost placement, unchanged base first): chr9-128907254-C-CA. GRCh37 (hg19) VCF-style: chr9-131669533-C-CA.
Other names: c.91dup, p.Ile31fs (NM_001127244.2, NM_001127245.2); short protein forms I31fs.
Identifiers: ClinVar variation 3660757 (VCV003660757.2).